The following is an entry in ClinVar:

NM_003476.5(CSRP3):c.452G>A (p.Gly151Glu)

Gene: CSRP3 (cysteine and glycine rich protein 3; minus strand). Cytogenetic location: 11p15.1.
Variant type: single nucleotide variant.
Coding change: c.452G>A on transcript NM_003476.5 (MANE Select); coding-DNA position 452, G replaced by A.
Protein change: p.Gly151Glu; replaces glycine 151 with glutamic acid.
Molecular consequence: missense variant.
Genome position (GRCh38, 1-based): chr11:19,185,008, C>T on the plus strand (G>A on the coding strand, the complement: CSRP3 is on the minus strand). VCF-style: chr11-19185008-C-T. GRCh37 (hg19) VCF-style: chr11-19206555-C-T.
Other names: c.283G>A, p.Gly95Arg (NM_001369404.1); short protein forms G151E, G95R.
Identifiers: ClinVar variation 239543 (VCV000239543.8), dbSNP rs878854613, ClinGen allele CA10582879.

ClinVar aggregate classification (germline): Uncertain significance (1 of 4 stars; one submission).

Conditions:
Hypertrophic cardiomyopathy 12. Identifiers: MedGen C2677491, MONDO:0012804, OMIM 612124.
Dilated cardiomyopathy 1M (CMD1M). Identifiers: Orphanet 154, MedGen C1843808, MONDO:0011840, OMIM 607482.

Submission:

Labcorp Genetics (formerly Invitae), Labcorp
Classification: Uncertain significance for Hypertrophic cardiomyopathy 12; Dilated cardiomyopathy 1M. Last evaluated: 2026-01-11. Review status: criteria provided, single submitter. Criteria: Invitae Variant Classification Sherloc (09022015). Collection method: clinical testing. Allele origin: germline.
Comment: This sequence change replaces glycine, which is neutral and non-polar, with glutamic acid, which is acidic and polar, at codon 151 of the CSRP3 protein (p.Gly151Glu). This variant is not present in population databases (gnomAD no frequency). This variant has not been reported in the literature in individuals affected with CSRP3-related conditions. ClinVar contains an entry for this variant (Variation ID: 239543). An algorithm developed to predict the effect of missense changes on protein structure and function (PolyPhen-2) suggests that this variant is likely to be disruptive. In summary, the available evidence is currently insufficient to determine the role of this variant in disease. Therefore, it has been classified as a Variant of Uncertain Significance.